The following is an entry in ClinVar:

NM_024528.4(NKAP):c.947G>C (p.Gly316Ala)

Gene: NKAP (NFKB activating protein; minus strand). Cytogenetic location: Xq24.
Variant type: single nucleotide variant.
Coding change: c.947G>C on transcript NM_024528.4 (MANE Select); coding-DNA position 947, G replaced by C.
Protein change: p.Gly316Ala; replaces glycine 316 with alanine.
Molecular consequence: missense variant.
Genome position (GRCh38, 1-based): chrX:119,930,142, C>G on the plus strand (G>C on the coding strand, the complement: NKAP is on the minus strand). VCF-style: chrX-119930142-C-G. GRCh37 (hg19) VCF-style: chrX-119064105-C-G.
Other names: short protein forms G316A.
Identifiers: ClinVar variation 3375810 (VCV003375810.1).

ClinVar aggregate classification (germline): Uncertain significance (1 of 4 stars; one submission).

Submission:

GeneDx
Classification: Uncertain significance. Last evaluated: 2024-05-07. Review status: criteria provided, single submitter. Criteria: GeneDx Variant Classification Process June 2021. Collection method: clinical testing. Allele origin: germline. Affected: yes.
Comment: Not observed at significant frequency in large population cohorts (gnomAD); In silico analysis supports that this missense variant has a deleterious effect on protein structure/function; Has not been previously published as pathogenic or benign to our knowledge